The following is an entry in ClinVar:

NM_004448.4(ERBB2):c.1496G>A (p.Arg499Gln)

Gene: ERBB2 (erb-b2 receptor tyrosine kinase 2; plus strand). Cytogenetic location: 17q12.
Variant type: single nucleotide variant.
Coding change: c.1496G>A on transcript NM_004448.4 (MANE Select); coding-DNA position 1496, G replaced by A.
Protein change: p.Arg499Gln; replaces arginine 499 with glutamine.
Molecular consequence: missense variant. On other transcripts: non-coding transcript variant (1), intron variant (1).
Genome position (GRCh38, 1-based): chr17:39,715,922, G>A. VCF-style: chr17-39715922-G-A. GRCh37 (hg19) VCF-style: chr17-37872175-G-A.
Other names: c.1571G>A, p.Arg524Gln (NM_001382787.1); c.1496G>A, p.Arg499Gln (NM_001382788.1, NM_001382790.1, NM_001382792.1 and 12 more transcripts); c.1517G>A, p.Arg506Gln (NM_001382789.1); c.1487G>A, p.Arg496Gln (NM_001382791.1); c.1222+563G>A (NM_001382806.1); c.1451G>A, p.Arg484Gln (NM_001289936.2); c.1406G>A, p.Arg469Gln (NM_001289938.2, NM_001382782.1, NM_001382783.1 and 1 more transcripts); c.1613G>A, p.Arg538Gln (NM_001382784.1, NM_001382786.1); and 3 more; short protein forms R439Q, R524Q, R538Q, R469Q, R484Q, R496Q, R499Q, R223Q.
Identifiers: ClinVar variation 3639964 (VCV003639964.2).
Genomic context (GRCh38, chr17:39,715,922, plus strand): 5'-CGGTGCCCTGGGACCAGCTCTTTCGGAACCCGCACCAAGCTCTGCTCCACACTGCCAACC[G>A]GCCAGAGGACGAGTGTGGTAAGACAGGGAGCCCAGTGTGCGCACTCCCCATCTGCCAGCA-3'
Protein context (NP_004439.2, residues 489-509): PHQALLHTAN[Arg499Gln]PEDECVGEGL

ClinVar aggregate classification (germline): Uncertain significance (1 of 4 stars; one submission).

gnomAD v4.1: 19 of 1,610,382 alleles (0.0012%); highest among the groups gnomAD compares: Non-Finnish European, 0.0014%; no homozygotes.

Submission:

Labcorp Genetics (formerly Invitae), Labcorp
Classification: Uncertain significance. Last evaluated: 2024-03-06. Review status: criteria provided, single submitter. Criteria: Invitae Variant Classification Sherloc (09022015). Collection method: clinical testing. Allele origin: germline.
Comment: This sequence change replaces arginine, which is basic and polar, with glutamine, which is neutral and polar, at codon 499 of the ERBB2 protein (p.Arg499Gln). This variant is present in population databases (rs182572604, gnomAD 0.007%). This variant has not been reported in the literature in individuals affected with ERBB2-related conditions. Advanced modeling of protein sequence and biophysical properties (such as structural, functional, and spatial information, amino acid conservation, physicochemical variation, residue mobility, and thermodynamic stability) performed at Invitae indicates that this missense variant is not expected to disrupt ERBB2 protein function with a negative predictive value of 80%. In summary, the available evidence is currently insufficient to determine the role of this variant in disease. Therefore, it has been classified as a Variant of Uncertain Significance.